The following is an entry in ClinVar:

ClinVar aggregate classification (germline): Uncertain significance (1 of 4 stars; one submission).

Conditions:
Cataract 18 (CATC2). Also called: CATARACT 18, AUTOSOMAL RECESSIVE. Identifiers: Orphanet 91492, Orphanet 98991, Orphanet 98992, Orphanet 98995, MedGen C1864908, MONDO:0012395, OMIM 610019.

Allele frequency attached by ClinVar (database versions not stated): gnomAD exomes below 0.00001.
gnomAD v4.1: 1 of 1,614,176 alleles (0.000062%); highest among the groups gnomAD compares: Admixed American, 0.0017%; no homozygotes.

Submission:

Labcorp Genetics (formerly Invitae), Labcorp
Classification: Uncertain significance for Cataract 18. Last evaluated: 2021-08-27. Review status: criteria provided, single submitter. Criteria: Invitae Variant Classification Sherloc (09022015). Collection method: clinical testing. Allele origin: germline.
Comment: This sequence change replaces glutamine with glutamic acid at codon 153 of the FYCO1 protein (p.Gln153Glu). The glutamine residue is highly conserved and there is a small physicochemical difference between glutamine and glutamic acid. This variant is not present in population databases (ExAC no frequency). This variant has not been reported in the literature in individuals affected with FYCO1-related conditions. Algorithms developed to predict the effect of missense changes on protein structure and function are either unavailable or do not agree on the potential impact of this missense change (SIFT: "Deleterious"; PolyPhen-2: "Possibly Damaging"; Align-GVGD: "Class C0"). In summary, the available evidence is currently insufficient to determine the role of this variant in disease. Therefore, it has been classified as a Variant of Uncertain Significance.

NM_024513.4(FYCO1):c.457C>G (p.Gln153Glu)

Gene: FYCO1 (FYVE and coiled-coil domain autophagy adaptor 1; minus strand). Cytogenetic location: 3p21.31.
Variant type: single nucleotide variant.
Coding change: c.457C>G on transcript NM_024513.4 (MANE Select); coding-DNA position 457, C replaced by G.
Protein change: p.Gln153Glu; replaces glutamine 153 with glutamic acid.
Molecular consequence: missense variant.
Genome position (GRCh38, 1-based): chr3:45,973,170, G>C on the plus strand (C>G on the coding strand, the complement: FYCO1 is on the minus strand). VCF-style: chr3-45973170-G-C. GRCh37 (hg19) VCF-style: chr3-46014662-G-C.
Other names: short protein forms Q153E.
Identifiers: ClinVar variation 648973 (VCV000648973.3), dbSNP rs1460800228, ClinGen allele CA352466370.